The following is an entry in ClinVar:

NM_014585.6(SLC40A1):c.1480G>T (p.Gly494Cys)

Gene: SLC40A1 (solute carrier family 40 member 1; minus strand). Cytogenetic location: 2q32.2.
Variant type: single nucleotide variant.
Coding change: c.1480G>T on transcript NM_014585.6 (MANE Select); coding-DNA position 1480, G replaced by T.
Protein change: p.Gly494Cys; replaces glycine 494 with cysteine.
Molecular consequence: missense variant.
Genome position (GRCh38, 1-based): chr2:189,562,114, C>A on the plus strand (G>T on the coding strand, the complement: SLC40A1 is on the minus strand). VCF-style: chr2-189562114-C-A. GRCh37 (hg19) VCF-style: chr2-190426840-C-A.
Other names: short protein forms G494C.
Identifiers: ClinVar variation 4872585 (VCV004872585.2).

ClinVar aggregate classification (germline): Uncertain significance (1 of 4 stars; one submission).

Submission:

CeGaT Center for Human Genetics Tuebingen
Classification: Uncertain significance. Last evaluated: 2026-04-01. Review status: criteria provided, single submitter. Criteria: CeGaT Center For Human Genetics Tuebingen Variant Classification Criteria Version 2. Collection method: clinical testing. Allele origin: germline. Affected: yes. Observed: 1 variant allele.
Comment: SLC40A1: PM2, PP3, PP4